The following is an entry in ClinVar:

NM_014946.4(SPAST):c.1098+19C>G

Gene: SPAST (spastin; plus strand). Cytogenetic location: 2p22.3.
Variant type: single nucleotide variant.
Coding change: c.1098+19C>G on transcript NM_014946.4 (MANE Select); 19 bases into the intron after coding-DNA position 1098, C replaced by G.
Molecular consequence: intron variant.
Genome position (GRCh38, 1-based): chr2:32,116,231, C>G. VCF-style: chr2-32116231-C-G. GRCh37 (hg19) VCF-style: chr2-32341300-C-G.
Other names: c.1002+19C>G (NM_199436.2, NM_001377959.1); c.1095+19C>G (NM_001363823.2); c.999+19C>G (NM_001363875.2).
Identifiers: ClinVar variation 681411 (VCV000681411.1), dbSNP rs1573121844, ClinGen allele CA915943760.
Genomic context (GRCh38, chr2:32,116,231, plus strand): 5'-GCATTGCAAGAAATTGTTATTCTTCCTTCTCTGAGGCCTGAGGTAAGAACTTTATATTAT[C>G]ATTTTTCTATAATACCATCTGTTACTGAATCCATAGTAGTAGTAGTAGTAAAGAAATATT-3'

ClinVar aggregate classification (germline): Likely benign (1 of 4 stars; one submission).

Submission:

GeneDx
Classification: Likely benign. Last evaluated: 2018-04-03. Review status: criteria provided, single submitter. Criteria: GeneDx Variant Classification (06012015). Collection method: clinical testing. Allele origin: germline. Affected: yes.
Comment: This variant is considered likely benign or benign based on one or more of the following criteria: it is a conservative change, it occurs at a poorly conserved position in the protein, it is predicted to be benign by multiple in silico algorithms, and/or has population frequency not consistent with disease.